The following is an entry in ClinVar:

ClinVar aggregate classification (germline): Likely pathogenic. Review status: reviewed by expert panel (3 of 4 stars). 3 submissions from 3 submitters: Likely pathogenic (1). 2 of the submissions do not count toward it. Last evaluated 2025-04-11.

Conditions:
Monogenic diabetes. Identifiers: Orphanet 183625, MedGen C3888631, MONDO:0015967.
Maturity-onset diabetes of the young (MODY). Also called: Maturity onset diabetes mellitus in young. Identifiers: Orphanet 552, MedGen C0342276, MONDO:0018911, HP:0004904.
Maturity-onset diabetes of the young type 3. Also called: MODY type 3; MODY, type III. Identifiers: Orphanet 552, MedGen C1838100, MeSH C563933, MONDO:0010894, OMIM 600496. Disease mechanism: loss of function.

Submissions (3):

ClinGen Monogenic Diabetes Variant Curation Expert Panel
Classification: Likely pathogenic for Monogenic diabetes. Last evaluated: 2025-04-11. Review status: reviewed by expert panel. Criteria: ClinGen Diabetes ACMG Specifications HNF1A V2.1.0. Collection method: curation. Allele origin: germline. Inheritance: Autosomal dominant inheritance.
Comment: The c.1506_1507dup variant in the HNF1 homeobox A gene, HNF1A, causes a frameshift at codon 503 (NM_000545.8), adding 29 novel amino acids before encountering a stop codon (p.(Tyr503SerfsTer29)). This variant, located in biologically-relevant exon 8 of 10, is predicted to lead to nonsense mediated decay in a gene in which loss-of-function is an established disease mechanism (PVS1; PMID: 23348805). This variant is also absent from gnomAD v2.1.1 and v4.1 (PM2_Supporting). In summary, c.1506_1507dup meets the criteria to be classified as likely pathogenic for monogenic diabetes. ACMG/AMP criteria applied, as specified by the ClinGen MDEP (specification version 2.1.0, approved 8/11/23): PVS1, PM2_Supporting.

Women's Health and Genetics/Laboratory Corporation of America, LabCorp
Classification: Likely pathogenic for MODY3. Last evaluated: 2011-08-18. Review status: criteria provided, single submitter. Criteria: LabCorp Variant Classification Summary - May 2015. Collection method: curation, clinical testing. Allele origin: germline. Inheritance: autosomal unknown. Affected: yes. Not counted in ClinVar's aggregate classification.
ClinVar note: Converted during submission from likely pathogenic to Likely pathogenic.

Clinical Genomics, Uppaluri K&H Personalized Medicine Clinic
Classification: Uncertain risk allele for Maturity-onset diabetes of the young. Review status: criteria provided, single submitter. Criteria: K & H Uppaluri Personalized Medicine Clinic Variant Classification & Assertion Criteria_Updated V.1. Collection method: research. Allele origin: unknown. Inheritance: Autosomal dominant inheritance. Not counted in ClinVar's aggregate classification.
Comment: Mutations in HNF1A gene can predispose to MODY3. It is associated with both micro and macrovascular complications of diabetes, especially cardiovascular complications. Associated with glucosuria. May respond well to sulfonylureas. However, more evidence is required to confer the association of this particular variant rs193922582 with MODY3.

Literature cited by the submitters: PubMed 23348805 (cited by ClinGen Monogenic Diabetes Variant Curation Expert Panel); PubMed 31517624 (cited by Clinical Genomics, Uppaluri K&H Personalized Medicine Clinic); PubMed 35328643 (cited by Clinical Genomics, Uppaluri K&H Personalized Medicine Clinic); PubMed 32395877 (cited by Clinical Genomics, Uppaluri K&H Personalized Medicine Clinic); PubMed 35673428 (cited by Clinical Genomics, Uppaluri K&H Personalized Medicine Clinic).

NM_000545.8(HNF1A):c.1506_1507dup (p.Tyr503fs)

Gene: HNF1A (HNF1 homeobox A; plus strand). Cytogenetic location: 12q24.31.
Variant type: Microsatellite.
Coding change: c.1506_1507dup on transcript NM_000545.8 (MANE Select); coding-DNA positions 1506 to 1507, 2 bases duplicated (CT; older notation c.1506_1507dupCT).
Protein change: p.Tyr503fs; shifts the reading frame from tyrosine 503.
Molecular consequence: frameshift variant.
Genome position (GRCh38, 1-based): chr12:120,999,272-120,999,273, CT duplicated; duplicating any 2 consecutive bases within chr12:120,999,270-120,999,273 gives the same sequence; the c. name uses the placement nearest the transcript's 3' end. VCF-style (leftmost placement, unchanged base first): chr12-120999269-C-CCT. GRCh37 (hg19) VCF-style: chr12-121437072-C-CCT.
Other names: NM_000545.8(HNF1A):c.1506_1507dup; p.Tyr503fs; c.1506_1507dup, p.Tyr503fs (NM_001306179.2); short protein forms Y503fs.
Identifiers: ClinVar variation 36803 (VCV000036803.8), dbSNP rs193922582, ClinGen allele CA214270.